The following is an entry in ClinVar:

ClinVar aggregate classification (germline): Uncertain significance (1 of 4 stars; one submission).

Conditions:
Holoprosencephaly 11 (HPE11). Identifiers: Orphanet 2162, MedGen C3280215, MONDO:0013642, OMIM 614226.

Allele frequency attached by ClinVar (database versions not stated): gnomAD 0.00001; TOPMed 0.00001.
gnomAD v4.1: 57 of 1,613,944 alleles (0.0035%); highest among the groups gnomAD compares: South Asian, 0.055%; no homozygotes.

Submission:

Labcorp Genetics (formerly Invitae), Labcorp
Classification: Uncertain significance for Holoprosencephaly 11. Last evaluated: 2023-11-27. Review status: criteria provided, single submitter. Criteria: Invitae Variant Classification Sherloc (09022015). Collection method: clinical testing. Allele origin: germline.
Comment: This sequence change replaces alanine, which is neutral and non-polar, with threonine, which is neutral and polar, at codon 985 of the CDON protein (p.Ala985Thr). This variant is present in population databases (rs748475660, gnomAD 0.06%). This variant has not been reported in the literature in individuals affected with CDON-related conditions. Advanced modeling of protein sequence and biophysical properties (such as structural, functional, and spatial information, amino acid conservation, physicochemical variation, residue mobility, and thermodynamic stability) performed at Invitae indicates that this missense variant is not expected to disrupt CDON protein function with a negative predictive value of 80%. In summary, the available evidence is currently insufficient to determine the role of this variant in disease. Therefore, it has been classified as a Variant of Uncertain Significance.

NM_001378964.1(CDON):c.2953G>A (p.Ala985Thr)

Gene: CDON (cell adhesion associated, oncogene regulated; minus strand). Cytogenetic location: 11q24.2.
Variant type: single nucleotide variant.
Coding change: c.2953G>A on transcript NM_001378964.1 (MANE Select); coding-DNA position 2953, G replaced by A.
Protein change: p.Ala985Thr; replaces alanine 985 with threonine.
Molecular consequence: missense variant.
Genome position (GRCh38, 1-based): chr11:125,983,914, C>T on the plus strand (G>A on the coding strand, the complement: CDON is on the minus strand). VCF-style: chr11-125983914-C-T. GRCh37 (hg19) VCF-style: chr11-125853809-C-T.
Other names: c.2953G>A, p.Ala985Thr (NM_016952.6, NM_001243597.3); short protein forms A985T.
Identifiers: ClinVar variation 2742019 (VCV002742019.3), dbSNP rs748475660, ClinGen allele CA6351572.